The following is an entry in ClinVar:

NM_001365951.3(KIF1B):c.3413G>C (p.Cys1138Ser)

Gene: KIF1B (kinesin family member 1B; plus strand). Cytogenetic location: 1p36.22.
Variant type: single nucleotide variant.
Coding change: c.3413G>C on transcript NM_001365951.3 (MANE Select); coding-DNA position 3413, G replaced by C.
Protein change: p.Cys1138Ser; replaces cysteine 1138 with serine.
Molecular consequence: missense variant.
Genome position (GRCh38, 1-based): chr1:10,337,524, G>C. VCF-style: chr1-10337524-G-C. GRCh37 (hg19) VCF-style: chr1-10397582-G-C.
Other names: c.3413G>C, p.Cys1138Ser (NM_001365952.1); c.3275G>C, p.Cys1092Ser (NM_015074.3); short protein forms C1092S, C1138S.
Identifiers: ClinVar variation 3226447 (VCV003226447.1), dbSNP rs2521722475, ClinGen allele CA338340748.
Genomic context (GRCh38, chr1:10,337,524, plus strand): 5'-CTTTCCGAGTAACAGTGTTGCAGGCCAGTGGAATCCTCCCAGAGTATGCAGATATCTTCT[G>C]TCAGTTCAAGTAAGCTGCCCCTTTGCTCTGCCTCCCAGCTAGCTGCTAACCGAGGTGACA-3'
Protein context (NP_001352880.1, residues 1128-1148): GILPEYADIF[Cys1138Ser]QFNFLHRHDE

ClinVar aggregate classification (germline): Uncertain significance (1 of 4 stars; one submission).

Submission:

Ambry Genetics
Classification: Uncertain significance. Last evaluated: 2024-03-04. Review status: criteria provided, single submitter. Criteria: Ambry Variant Classification Scheme 2023. Collection method: clinical testing. Allele origin: germline.
Comment: The p.C1092S variant (also known as c.3275G>C), located in coding exon 28 of the KIF1B gene, results from a G to C substitution at nucleotide position 3275. The cysteine at codon 1092 is replaced by serine, an amino acid with dissimilar properties. This amino acid position is conserved. In addition, this alteration is predicted to be deleterious by in silico analysis. Based on the available evidence, the clinical significance of this alteration remains unclear.